The following is an entry in ClinVar:

ClinVar aggregate classification (germline): Uncertain significance. Review status: criteria provided, multiple submitters, no conflicts (2 of 4 stars). 4 submissions from 4 submitters: Uncertain significance (4). Last evaluated 2024-12-09.

Conditions:
Cardiovascular phenotype. Identifiers: MedGen CN230736.
Dilated cardiomyopathy 1JJ (CMD1JJ). Identifiers: Orphanet 154, MedGen C3808935, MONDO:0014095, OMIM 615235.

Allele frequency attached by ClinVar (database versions not stated): ExAC 0.00001; gnomAD exomes 0.00001 and 0.00005.

Submissions (4):

Ambry Genetics
Classification: Uncertain significance for Cardiovascular phenotype. Last evaluated: 2024-12-09. Review status: criteria provided, single submitter. Criteria: Ambry Variant Classification Scheme 2023. Collection method: clinical testing. Allele origin: germline.
Comment: The p.P226S variant (also known as c.676C>T), located in coding exon 5 of the LAMA4 gene, results from a C to T substitution at nucleotide position 676. The proline at codon 226 is replaced by serine, an amino acid with similar properties. This alteration has been reported as a secondary cardiac variant in an exome cohort; however, clinical details are limited (Ng D et al. Circ Cardiovasc Genet, 2013 Aug;6:337-46). This amino acid position is well conserved in available vertebrate species; however, serine is the reference amino acid in other vertebrate species. In addition, this alteration is predicted to be tolerated by in silico analysis. Since supporting evidence is limited at this time, the clinical significance of this alteration remains unclear.

Labcorp Genetics (formerly Invitae), Labcorp
Classification: Uncertain significance for Dilated cardiomyopathy 1JJ. Last evaluated: 2024-03-04. Review status: criteria provided, single submitter. Criteria: Invitae Variant Classification Sherloc (09022015). Collection method: clinical testing. Allele origin: germline.
Comment: This sequence change replaces proline, which is neutral and non-polar, with serine, which is neutral and polar, at codon 226 of the LAMA4 protein (p.Pro226Ser). This variant is present in population databases (rs201820268, gnomAD 0.002%). This variant has not been reported in the literature in individuals affected with LAMA4-related conditions. ClinVar contains an entry for this variant (Variation ID: 191692). Algorithms developed to predict the effect of missense changes on protein structure and function output the following: SIFT: "Not Available"; PolyPhen-2: "Benign"; Align-GVGD: "Not Available". The serine amino acid residue is found in multiple mammalian species, which suggests that this missense change does not adversely affect protein function. In summary, the available evidence is currently insufficient to determine the role of this variant in disease. Therefore, it has been classified as a Variant of Uncertain Significance.

Fulgent Genetics
Classification: Uncertain significance for Dilated cardiomyopathy 1JJ. Last evaluated: 2021-09-17. Review status: criteria provided, single submitter. Criteria: ACMG Guidelines, 2015. Collection method: clinical testing. Allele origin: unknown.

Biesecker Lab/Clinical Genomics Section, National Institutes of Health
Classification: Uncertain significance. Last evaluated: 2013-06-24. Review status: criteria provided, single submitter. Criteria: Ng et al. (Circ Cardiovasc Genet. 2013). Collection method: research. Allele origin: unknown. Observed: 1 variant allele. Study: ClinSeq.
Comment: The study set was not selected for affection status in relation to any cancer. Pathogenicity categories were based on literature curation. See Pubmed ID:23861362 for details.

Medical sequencing

Literature cited by the submitters: PubMed 23861362 (cited by Ambry Genetics).

NM_001105206.3(LAMA4):c.676C>T (p.Pro226Ser)

Gene: LAMA4 (laminin subunit alpha 4; minus strand). Cytogenetic location: 6q21.
Variant type: single nucleotide variant.
Coding change: c.676C>T on transcript NM_001105206.3 (MANE Select); coding-DNA position 676, C replaced by T.
Protein change: p.Pro226Ser; replaces proline 226 with serine.
Molecular consequence: missense variant.
Genome position (GRCh38, 1-based): chr6:112,191,678, G>A on the plus strand (C>T on the coding strand, the complement: LAMA4 is on the minus strand). VCF-style: chr6-112191678-G-A. GRCh37 (hg19) VCF-style: chr6-112512880-G-A.
Other names: c.676C>T (LRG_433t2); c.676C>T, p.Pro226Ser (NM_001105207.3, NM_002290.5); short protein forms P226S.
Identifiers: ClinVar variation 191692 (VCV000191692.8), dbSNP rs201820268, ClinGen allele CA237280.